The following is an entry in ClinVar:

NM_001330311.2(DVL1):c.769+6G>T

Gene: DVL1 (dishevelled segment polarity protein 1; minus strand). Cytogenetic location: 1p36.33.
Variant type: single nucleotide variant.
Coding change: c.769+6G>T on transcript NM_001330311.2 (MANE Select); 6 bases into the intron after coding-DNA position 769, G replaced by T.
Molecular consequence: intron variant.
Genome position (GRCh38, 1-based): chr1:1,340,241, C>A on the plus strand (G>T on the coding strand, the complement: DVL1 is on the minus strand). VCF-style: chr1-1340241-C-A. GRCh37 (hg19) VCF-style: chr1-1275621-C-A.
Other names: c.769+6G>T (NM_004421.3).
Identifiers: ClinVar variation 1903202 (VCV001903202.7), dbSNP rs776110236, ClinGen allele CA520439.
Genomic context (GRCh38, chr1:1,340,241, plus strand): 5'-CAGGAAGAGCCATGAGCCGCGGCCAAGCCCCTGCCCCTGCCCCCAACCCTCGCCCCGAGG[C>A]CTCACCCATGTTGAGCGTGACAGTGACGATGTTGAGGGACATGGTGGAGTCGGTTATGCT-3'

ClinVar aggregate classification (germline): Conflicting classifications of pathogenicity. Review status: criteria provided, conflicting classifications (1 of 4 stars). 3 submissions from 3 submitters: Uncertain significance (2); Likely benign (1). Last evaluated 2024-09-25.

Conditions:
Autosomal dominant Robinow syndrome 2. Identifiers: Orphanet 3107, Orphanet 97360, MedGen C4225363, MONDO:0014591, OMIM 616331.

Allele frequency attached by ClinVar (database versions not stated): gnomAD 0.00001.

Submissions (3):

Blueprint Genetics
Classification: Likely benign. Last evaluated: 2024-09-25. Review status: criteria provided, single submitter. Criteria: ACMG Guidelines, 2015. Collection method: clinical testing. Allele origin: germline.

Labcorp Genetics (formerly Invitae), Labcorp
Classification: Uncertain significance. Last evaluated: 2024-02-24. Review status: criteria provided, single submitter. Criteria: Invitae Variant Classification Sherloc (09022015). Collection method: clinical testing. Allele origin: germline.
Comment: This sequence change falls in intron 7 of the DVL1 gene. It does not directly change the encoded amino acid sequence of the DVL1 protein. It affects a nucleotide within the consensus splice site. This variant is present in population databases (rs776110236, gnomAD 0.006%). This variant has not been reported in the literature in individuals affected with DVL1-related conditions. ClinVar contains an entry for this variant (Variation ID: 1903202). Variants that disrupt the consensus splice site are a relatively common cause of aberrant splicing (PMID: 17576681, 9536098). Algorithms developed to predict the effect of sequence changes on RNA splicing suggest that this variant is not likely to affect RNA splicing. In summary, the available evidence is currently insufficient to determine the role of this variant in disease. Therefore, it has been classified as a Variant of Uncertain Significance.

Fulgent Genetics
Classification: Uncertain significance for Autosomal dominant Robinow syndrome 2. Last evaluated: 2024-02-21. Review status: criteria provided, single submitter. Criteria: ACMG Guidelines, 2015. Collection method: clinical testing. Allele origin: germline.

Literature cited by the submitters: PubMed 17576681 (cited by Labcorp Genetics (formerly Invitae), Labcorp); PubMed 9536098 (cited by Labcorp Genetics (formerly Invitae), Labcorp).